The following is an entry in ClinVar:

ClinVar aggregate classification (germline): Uncertain significance (0 of 4 stars; one submission).

Conditions:
SLC51A-related disorder. Also called: SLC51A-related condition.

Submission:

PreventionGenetics, part of Exact Sciences
Classification: Uncertain significance for SLC51A-related condition. Last evaluated: 2024-03-29. Review status: no assertion criteria provided. Collection method: clinical testing. Allele origin: germline.
Comment: The SLC51A c.56T>C variant is predicted to result in the amino acid substitution p.Leu19Pro. To our knowledge, this variant has not been reported in the literature or in a large population database, indicating this variant is rare. At this time, the clinical significance of this variant is uncertain due to the absence of conclusive functional and genetic evidence.

NM_152672.6(SLC51A):c.56T>C (p.Leu19Pro)

Gene: SLC51A (solute carrier family 51 member A; plus strand). Cytogenetic location: 3q29.
Variant type: single nucleotide variant.
Coding change: c.56T>C on transcript NM_152672.6 (MANE Select); coding-DNA position 56, T replaced by C.
Protein change: p.Leu19Pro; replaces leucine 19 with proline.
Molecular consequence: missense variant.
Genome position (GRCh38, 1-based): chr3:196,217,859, T>C. VCF-style: chr3-196217859-T-C. GRCh37 (hg19) VCF-style: chr3-195944730-T-C.
Other names: short protein forms L19P.
Identifiers: ClinVar variation 3353765 (VCV003353765.1).
Genomic context (GRCh38, chr3:196,217,859, plus strand): 5'-CCCCAGCCCCCATGGTTCTGAGCACAGGCTGGTGTCTCGCCAGGTACACAGCAGATCTTC[T>C]GGAGGTGCTGAAGACCAATTACGGCATCCCCTCCGCCTGCTTCTCTCAGCCTCCCACAGC-3'
Protein context (NP_689885.4, residues 9-29): KLDPRYTADL[Leu19Pro]EVLKTNYGIP